The following is an entry in ClinVar:

NM_144999.4(LRRC45):c.1693A>C (p.Arg565=)

Gene: LRRC45 (leucine rich repeat containing 45; plus strand). Cytogenetic location: 17q25.3.
Variant type: single nucleotide variant.
Coding change: c.1693A>C on transcript NM_144999.4 (MANE Select); coding-DNA position 1693, A replaced by C.
Protein change: p.Arg565=; no amino-acid change (arginine 565 retained).
Molecular consequence: synonymous variant.
Genome position (GRCh38, 1-based): chr17:82,030,343, A>C. VCF-style: chr17-82030343-A-C. GRCh37 (hg19) VCF-style: chr17-79988219-A-C.
Identifiers: ClinVar variation 4981000 (VCV004981000.1).

ClinVar aggregate classification (germline): Likely benign (1 of 4 stars; one submission).

Conditions:
LRRC45-related disorder. Also called: LRRC45-related condition.

gnomAD v4.1: 37 of 1,549,570 alleles (0.0024%); highest among the groups gnomAD compares: African/African-American, 0.0055%; no homozygotes.

Submission:

PreventionGenetics, part of Exact Sciences
Classification: Likely benign for LRRC45-related condition. Last evaluated: 2024-11-05. Review status: criteria provided, single submitter. Criteria: ACMG Guidelines, 2015. Collection method: clinical testing. Allele origin: germline.
Comment: This variant is classified as likely benign based on ACMG/AMP sequence variant interpretation guidelines (Richards et al. 2015 PMID: 25741868, with internal and published modifications).